The following is an entry in ClinVar:

ClinVar aggregate classification (germline): Pathogenic (1 of 4 stars; one submission).

Submission:

GeneDx
Classification: Pathogenic. Last evaluated: 2013-01-29. Review status: criteria provided, single submitter. Criteria: GeneDx Variant Classification (06012015). Collection method: clinical testing. Allele origin: germline. Affected: yes.
Comment: The c.808_809insC (aka c.808dupC) mutation in the CDKL5 gene causes a frameshift starting with codon Leucine 270, changes this amino acid to a Proline residue and creates a premature Stop codon at position 3 of the new reading frame, denoted p.Leu270ProfsX3. This mutation is predicted to cause loss of normal protein function either through protein truncation or nonsense-mediated mRNA decay. Although this mutation has not been previously reported to our knowledge, other frameshift mutations have been reported in the CDKL5 gene in association with epilepsy. The variant is found in EPILEPSY panel(s).

NM_001323289.2(CDKL5):c.808dup (p.Leu270fs)

Gene: CDKL5 (cyclin dependent kinase like 5; plus strand). Cytogenetic location: Xp22.13.
Variant type: Duplication.
Coding change: c.808dup on transcript NM_001323289.2 (MANE Select); coding-DNA position 808, one base duplicated (C; older notation c.808dupC).
Protein change: p.Leu270fs; shifts the reading frame from leucine 270.
Molecular consequence: frameshift variant.
Genome position (GRCh38, 1-based): chrX:18,595,411, C duplicated. VCF-style (leftmost placement, unchanged base first): chrX-18595410-T-TC. GRCh37 (hg19) VCF-style: chrX-18613530-T-TC.
Other names: c.808dup, p.Leu270fs (NM_001037343.2, NM_003159.3); c.808_809insC (NM_003159.2); short protein forms L270fs.
Identifiers: ClinVar variation 156640 (VCV000156640.1), dbSNP rs587783112, ClinGen allele CA294679.